The following is an entry in ClinVar:

NM_001039.4(SCNN1G):c.327C>A (p.Thr109=)

Gene: SCNN1G (sodium channel epithelial 1 subunit gamma; plus strand). Cytogenetic location: 16p12.2.
Variant type: single nucleotide variant.
Coding change: c.327C>A on transcript NM_001039.4 (MANE Select); coding-DNA position 327, C replaced by A.
Protein change: p.Thr109=; no amino-acid change (threonine 109 retained).
Molecular consequence: synonymous variant.
Genome position (GRCh38, 1-based): chr16:23,189,380, C>A. VCF-style: chr16-23189380-C-A. GRCh37 (hg19) VCF-style: chr16-23200701-C-A.
Identifiers: ClinVar variation 3058747 (VCV003058747.3), dbSNP rs760847890, ClinGen allele CA7959553.
Genomic context (GRCh38, chr16:23,189,380, plus strand): 5'-TCTGCCAGGGCCGCCTCCCCTCTCCCTGACTTTTCCTCCCCACCTTGGCAGGTACAGCAC[C>A]GTTCGCCACCTTCTAGCTGACTTGGAACAGGAGACCAGAGAGGCCCTGAAGTCCCTGTAT-3'
Protein context (NP_001030.2, residues 99-119): ICNINPYKYS[Thr109=]VRHLLADLEQ

ClinVar aggregate classification (germline): Likely benign. Review status: criteria provided, single submitter (1 of 4 stars). 2 submissions from 2 submitters: Likely benign (1). 1 of the submissions does not count toward it. Last evaluated 2024-07-19.

Conditions:
SCNN1G-related disorder. Also called: SCNN1G-Related Disorders; SCNN1G-related condition.

gnomAD v4.1: 4 of 1,613,450 alleles (0.00025%); highest among the groups gnomAD compares: East Asian, 0.0022%; no homozygotes.

Submissions (2):

Blueprint Genetics
Classification: Likely benign. Last evaluated: 2024-07-19. Review status: criteria provided, single submitter. Criteria: ACMG Guidelines, 2015. Collection method: clinical testing. Allele origin: germline.

PreventionGenetics, part of Exact Sciences
Classification: Likely benign for SCNN1G-related condition. Last evaluated: 2019-02-21. Review status: no assertion criteria provided. Collection method: clinical testing. Allele origin: germline. Not counted in ClinVar's aggregate classification.
Comment: This variant is classified as likely benign based on ACMG/AMP sequence variant interpretation guidelines (Richards et al. 2015 PMID: 25741868, with internal and published modifications).